The following is an entry in ClinVar:

ClinVar aggregate classification (germline): Uncertain significance (1 of 4 stars; one submission).

Submission:

Labcorp Genetics (formerly Invitae), Labcorp
Classification: Uncertain significance. Last evaluated: 2022-07-31. Review status: criteria provided, single submitter. Criteria: Invitae Variant Classification Sherloc (09022015). Collection method: clinical testing. Allele origin: germline.
Comment: In summary, the available evidence is currently insufficient to determine the role of this variant in disease. Therefore, it has been classified as a Variant of Uncertain Significance. Algorithms developed to predict the effect of missense changes on protein structure and function are either unavailable or do not agree on the potential impact of this missense change (SIFT: "Tolerated"; PolyPhen-2: "Not Available"; Align-GVGD: "Class C0"). This variant has not been reported in the literature in individuals affected with DDX3X-related conditions. This variant is not present in population databases (gnomAD no frequency). This sequence change replaces tryptophan, which is neutral and slightly polar, with leucine, which is neutral and non-polar, at codon 60 of the DDX3X protein (p.Trp60Leu).

NM_001356.5(DDX3X):c.179G>T (p.Trp60Leu)

Gene: DDX3X (DEAD-box helicase 3 X-linked; plus strand). Cytogenetic location: Xp11.4.
Variant type: single nucleotide variant.
Coding change: c.179G>T on transcript NM_001356.5 (MANE Select); coding-DNA position 179, G replaced by T.
Protein change: p.Trp60Leu; replaces tryptophan 60 with leucine.
Molecular consequence: missense variant. On other transcripts: 5 prime UTR variant (1), non-coding transcript variant (1).
Genome position (GRCh38, 1-based): chrX:41,341,511, G>T. VCF-style: chrX-41341511-G-T. GRCh37 (hg19) VCF-style: chrX-41200764-G-T.
Other names: c.179G>T, p.Trp60Leu (NM_001193416.3); c.131G>T, p.Trp44Leu (NM_001193417.3); c.-380G>T (NM_001363819.1); short protein forms W44L, W60L.
Identifiers: ClinVar variation 1714643 (VCV001714643.5), dbSNP rs2519505328, ClinGen allele CA412764759.